The following is an entry in ClinVar:

ClinVar aggregate classification (germline): Uncertain significance. Review status: criteria provided, multiple submitters, no conflicts (2 of 4 stars). 2 submissions from 2 submitters: Uncertain significance (2). Last evaluated 2025-12-17.

Allele frequency attached by ClinVar (database versions not stated): gnomAD exomes below 0.00001.
gnomAD v4.1: 4 of 1,613,874 alleles (0.00025%); highest among the groups gnomAD compares: Non-Finnish European, 0.00034%; no homozygotes.

Submissions (2):

Labcorp Genetics (formerly Invitae), Labcorp
Classification: Uncertain significance. Last evaluated: 2025-12-17. Review status: criteria provided, single submitter. Criteria: Invitae Variant Classification Sherloc (09022015). Collection method: clinical testing. Allele origin: germline.
Comment: This sequence change replaces threonine, which is neutral and polar, with alanine, which is neutral and non-polar, at codon 627 of the ADGRE2 protein (p.Thr627Ala). This variant is not present in population databases (gnomAD no frequency). This variant has not been reported in the literature in individuals affected with ADGRE2-related conditions. ClinVar contains an entry for this variant (Variation ID: 2474210). An algorithm developed to predict the effect of missense changes on protein structure and function (PolyPhen-2) suggests that this variant is likely to be disruptive. In summary, the available evidence is currently insufficient to determine the role of this variant in disease. Therefore, it has been classified as a Variant of Uncertain Significance.

Ambry Genetics
Classification: Uncertain significance. Last evaluated: 2023-01-06. Review status: criteria provided, single submitter. Criteria: Ambry Variant Classification Scheme 2023. Collection method: clinical testing. Allele origin: germline.

NM_013447.4(ADGRE2):c.1879A>G (p.Thr627Ala)

Gene: ADGRE2 (adhesion G protein-coupled receptor E2; minus strand). Cytogenetic location: 19p13.12.
Variant type: single nucleotide variant.
Coding change: c.1879A>G on transcript NM_013447.4 (MANE Select); coding-DNA position 1879, A replaced by G.
Protein change: p.Thr627Ala; replaces threonine 627 with alanine.
Molecular consequence: missense variant.
Genome position (GRCh38, 1-based): chr19:14,751,581, T>C on the plus strand (A>G on the coding strand, the complement: ADGRE2 is on the minus strand). VCF-style: chr19-14751581-T-C. GRCh37 (hg19) VCF-style: chr19-14862393-T-C.
Other names: c.1705A>G, p.Thr569Ala (NM_001271052.1); c.1732A>G, p.Thr578Ala (NM_152916.2); c.1600A>G, p.Thr534Ala (NM_152917.2); short protein forms T534A, T578A, T627A, T569A.
Identifiers: ClinVar variation 2474210 (VCV002474210.5), dbSNP rs2513034428, ClinGen allele CA404452999.